The following is an entry in ClinVar:

NM_001267550.2(TTN):c.12235A>G (p.Ile4079Val)

Gene: TTN (titin; minus strand). Cytogenetic location: 2q31.2.
Variant type: single nucleotide variant.
Coding change: c.12235A>G on transcript NM_001267550.2 (MANE Select); coding-DNA position 12235, A replaced by G.
Protein change: p.Ile4079Val; replaces isoleucine 4079 with valine.
Molecular consequence: missense variant. On other transcripts: intron variant (1).
Genome position (GRCh38, 1-based): chr2:178,740,998, T>C on the plus strand (A>G on the coding strand, the complement: TTN is on the minus strand). VCF-style: chr2-178740998-T-C. GRCh37 (hg19) VCF-style: chr2-179605725-T-C.
Other names: p.I3841V:ATT>GTT; p.Ile3762Val; c.11284A>G, p.Ile3762Val (NM_001256850.1); c.11146A>G, p.Ile3716Val (NM_003319.4); c.11521A>G, p.Ile3841Val (NM_133432.3); c.11722A>G, p.Ile3908Val (NM_133437.4); c.10361-2638A>G (NM_133378.4); short protein forms I4079V, I3762V, I3841V, I3716V, I3908V.
Identifiers: ClinVar variation 47823 (VCV000047823.46), dbSNP rs34070843, ClinGen allele CA284536.

ClinVar aggregate classification (germline): Benign/Likely benign. Review status: criteria provided, multiple submitters, no conflicts (2 of 4 stars). 21 submissions from 18 submitters: Benign (15); Likely benign (1). 5 of the submissions do not count toward it. Last evaluated 2026-02-04.

Conditions:
Cardiovascular phenotype. Identifiers: MedGen CN230736.
Autosomal recessive limb-girdle muscular dystrophy type 2J (LGMDR10). Also called: Limb-girdle muscular dystrophy, type 2J; MUSCULAR DYSTROPHY, LIMB-GIRDLE, AUTOSOMAL RECESSIVE 10. Identifiers: Orphanet 140922, MedGen C1837342, MONDO:0012127, OMIM 608807.
Dilated cardiomyopathy 1G (CMD1G). Identifiers: Orphanet 154, MedGen C1858763, MONDO:0011400, OMIM 604145.
Early-onset myopathy with fatal cardiomyopathy (CMYO5). Also called: Salih Myopathy; CONGENITAL MYOPATHY 5 WITH CARDIOMYOPATHY. Identifiers: Orphanet 289377, MedGen C2673677, MONDO:0012714, OMIM 611705. Disease mechanism: loss of function.
Myopathy, myofibrillar, 9, with early respiratory failure (MFM9). Also called: EDSTROM MYOPATHY; MYOPATHY, PROXIMAL, WITH EARLY RESPIRATORY MUSCLE INVOLVEMENT; Hereditary myopathy with early respiratory failure; Myopathy, distal, with early respiratory failure, autosomal dominant. Identifiers: Orphanet 178464, Orphanet 34521, MedGen C1863599, MONDO:0011362, OMIM 603689.
Tibial muscular dystrophy (TMD). Also called: Udd Distal Myopathy – Tibial Muscular Dystrophy; UDD MYOPATHY; Tibial muscular dystrophy, tardive. Identifiers: Orphanet 609, MedGen C1838244, MONDO:0010870, OMIM 600334.

Allele frequency attached by ClinVar (database versions not stated): gnomAD exomes 0.01762 and 0.02042; ExAC 0.01788; gnomAD 0.01345 and 0.01430; ESP Exome Variant Server 0.01442; TOPMed 0.01471; 1000 Genomes Project 30x 0.01562; 1000 Genomes Project 0.01617.
gnomAD v4.1: 32,077 of 1,613,934 alleles (2%); highest among the groups gnomAD compares: Middle Eastern, 4.3%; 430 homozygotes.

Submissions (21):

Labcorp Genetics (formerly Invitae), Labcorp
Classification: Benign for Dilated cardiomyopathy 1G; Autosomal recessive limb-girdle muscular dystrophy type 2J. Last evaluated: 2026-02-04. Review status: criteria provided, single submitter. Criteria: Invitae Variant Classification Sherloc (09022015). Collection method: clinical testing. Allele origin: germline.

ARUP Laboratories, Molecular Genetics and Genomics, ARUP Laboratories
Classification: Benign. Last evaluated: 2025-07-28. Review status: criteria provided, single submitter. Criteria: ARUP Molecular Germline Variant Investigation Process 2024. Collection method: clinical testing. Allele origin: germline.

Molecular Diagnostic Laboratory for Inherited Cardiovascular Disease, Montreal Heart Institute
Classification: Benign. Last evaluated: 2025-04-09. Review status: criteria provided, single submitter. Criteria: ACMG Guidelines, 2015. Collection method: clinical testing. Allele origin: germline. Affected: no.

Blueprint Genetics
Classification: Likely benign. Last evaluated: 2024-11-26. Review status: criteria provided, single submitter. Criteria: ACMG Guidelines, 2015. Collection method: clinical testing. Allele origin: germline.

Genome-Nilou Lab
Classification: Benign for Autosomal recessive limb-girdle muscular dystrophy type 2J. Last evaluated: 2021-09-10. Review status: criteria provided, single submitter. Criteria: ACMG Guidelines, 2015. Collection method: clinical testing. Allele origin: germline. Affected: no.

Genome-Nilou Lab
Classification: Benign for Myopathy, myofibrillar, 9, with early respiratory failure. Last evaluated: 2021-09-10. Review status: criteria provided, single submitter. Criteria: ACMG Guidelines, 2015. Collection method: clinical testing. Allele origin: germline. Affected: no.

Genome-Nilou Lab
Classification: Benign for Early-onset myopathy with fatal cardiomyopathy. Last evaluated: 2021-09-10. Review status: criteria provided, single submitter. Criteria: ACMG Guidelines, 2015. Collection method: clinical testing. Allele origin: germline. Affected: no.

Genome-Nilou Lab
Classification: Benign for Tibial muscular dystrophy. Last evaluated: 2021-09-10. Review status: criteria provided, single submitter. Criteria: ACMG Guidelines, 2015. Collection method: clinical testing. Allele origin: germline. Affected: no.

Athena Diagnostics
Classification: Benign. Last evaluated: 2019-04-24. Review status: criteria provided, single submitter. Criteria: Athena Diagnostics Criteria. Collection method: clinical testing. Allele origin: germline.

Mayo Clinic Laboratories, Mayo Clinic
Classification: Benign. Last evaluated: 2015-10-08. Review status: criteria provided, single submitter. Criteria: ACMG Guidelines, 2015. Collection method: clinical testing. Allele origin: germline. Observed: 53 variant alleles.

Ambry Genetics
Classification: Benign for Cardiovascular phenotype. Last evaluated: 2015-05-21. Review status: criteria provided, single submitter. Criteria: Ambry Variant Classification Scheme 2023. Collection method: clinical testing. Allele origin: germline.

GeneDx
Classification: Benign. Last evaluated: 2013-10-07. Review status: criteria provided, single submitter. Criteria: GeneDx Variant Classification (06012015). Collection method: clinical testing. Allele origin: germline. Affected: yes.
Comment: This variant is considered likely benign or benign based on one or more of the following criteria: it is a conservative change, it occurs at a poorly conserved position in the protein, it is predicted to be benign by multiple in silico algorithms, and/or has population frequency not consistent with disease.

Biesecker Lab/Clinical Genomics Section, National Institutes of Health
Classification: Benign. Last evaluated: 2013-06-24. Review status: criteria provided, single submitter. Criteria: Ng et al. (Circ Cardiovasc Genet. 2013). Collection method: research. Allele origin: unknown. Observed: 20 variant alleles. Study: ClinSeq.
Comment: The study set was not selected for affection status in relation to any cancer. Pathogenicity categories were based on literature curation. See Pubmed ID:23861362 for details.

Medical sequencing

Laboratory for Molecular Medicine, Mass General Brigham Personalized Medicine
Classification: Benign. Last evaluated: 2012-02-17. Review status: criteria provided, single submitter. Criteria: LMM Criteria. Collection method: clinical testing. Allele origin: germline. Observed: 77 variant alleles.
Comment: Ile3841Val in exon 49 of TTN: This variant is not expected to have clinical sign ificance because it has been identified in 1.8% (122/6610) of European American chromosomes from a broad population by the NHLBI Exome Sequencing Project (dbSNP rs34070843).

Breakthrough Genomics
Classification: Benign. Review status: criteria provided, single submitter. Criteria: ACMG Guidelines, 2015. Collection method: not provided. Allele origin: germline. Inheritance: Autosomal recessive inheritance. Affected: yes.

PreventionGenetics, part of Exact Sciences
Classification: Benign. Review status: criteria provided, single submitter. Criteria: ACMG Guidelines, 2015. Collection method: clinical testing. Allele origin: germline.

Clinical Genetics, Academic Medical Center
Classification: Benign. Review status: no assertion criteria provided. Collection method: clinical testing. Allele origin: germline. Affected: yes. Study: VKGL Data-share Consensus. Not counted in ClinVar's aggregate classification.

Diagnostic Laboratory, Department of Genetics, University Medical Center Groningen
Classification: Likely benign. Review status: no assertion criteria provided. Collection method: clinical testing. Allele origin: germline. Affected: yes. Study: VKGL Data-share Consensus. Not counted in ClinVar's aggregate classification.

Genome Diagnostics Laboratory, University Medical Center Utrecht
Classification: Benign. Review status: no assertion criteria provided. Collection method: clinical testing. Allele origin: germline. Affected: yes. Study: VKGL Data-share Consensus. Not counted in ClinVar's aggregate classification.

Joint Genome Diagnostic Labs from Nijmegen and Maastricht, Radboudumc and MUMC+
Classification: Benign. Review status: no assertion criteria provided. Collection method: clinical testing. Allele origin: germline. Affected: yes. Study: VKGL Data-share Consensus. Not counted in ClinVar's aggregate classification.

Laboratory of Diagnostic Genome Analysis, Leiden University Medical Center (LUMC)
Classification: Likely benign. Review status: no assertion criteria provided. Collection method: clinical testing. Allele origin: germline. Affected: yes. Study: VKGL Data-share Consensus. Not counted in ClinVar's aggregate classification.

Literature cited by the submitters: PubMed 27400856 (cited by Athena Diagnostics); PubMed 29179779 (cited by Athena Diagnostics); PubMed 17344846 (cited by Athena Diagnostics).